The following is an entry in ClinVar:

NM_000548.5(TSC2):c.5395_5397del (p.Ser1799del)

Gene: TSC2 (TSC complex subunit 2; plus strand). Cytogenetic location: 16p13.3.
Variant type: Deletion.
Coding change: c.5395_5397del on transcript NM_000548.5 (MANE Select); coding-DNA positions 5395 to 5397, 3 bases deleted (TCG; older notation c.5395_5397delTCG).
Protein change: p.Ser1799del; deletes serine 1799.
Molecular consequence: inframe deletion.
Genome position (GRCh38, 1-based): chr16:2,088,581-2,088,583, TCG deleted. VCF-style (leftmost placement, unchanged base first): chr16-2088580-CTCG-C. GRCh37 (hg19) VCF-style: chr16-2138581-CTCG-C.
Other names: c.5395_5397del (NM_000548.3); c.5395_5397delTCG (NM_000548.3); c.5194_5196del, p.Ser1732del (NM_001077183.3); c.5326_5328del, p.Ser1776del (NM_001114382.3); c.5086_5088del, p.Ser1696del (NM_001318827.2); c.5050_5052del, p.Ser1684del (NM_001318829.2); c.4663_4665del, p.Ser1555del (NM_001318831.2); c.5227_5229del, p.Ser1743del (NM_001318832.2); and 4 more; short protein forms S1555del, S1684del, S1696del, S1732del, S1733del, S1743del, S1752del, S1755del.
Identifiers: ClinVar variation 1135422 (VCV001135422.13), dbSNP rs2151642647, ClinGen allele CA2499223359.
Genomic context (GRCh38, chr16:2,088,580, plus strand): 5'-ACAGACTCCAGCCGAGCCCACACCTGGCTATGAGGTGGGCCAGCGGAAGCGCCTCATCTC[CTCG>C]GTGGAGGACTTCACCGAGTTTGTGTGAGGCCGGGGCCCTCCCTCCTGCACTGGCCTTGGA-3'

ClinVar aggregate classification (germline): Conflicting classifications of pathogenicity. Review status: criteria provided, conflicting classifications (1 of 4 stars). 3 submissions from 3 submitters: Uncertain significance (2); Likely benign (1). Last evaluated 2025-07-17.

Conditions:
Hereditary cancer-predisposing syndrome. Also called: Neoplastic Syndromes, Hereditary; Hereditary neoplastic syndrome; Tumor predisposition; Hereditary Cancer Syndrome. Identifiers: Orphanet 140162, MedGen C0027672, MeSH D009386, MONDO:0015356.
Tuberous sclerosis 2 (TSC2). Identifiers: Orphanet 805, MedGen C1860707, MONDO:0013199, OMIM 613254.

Submissions (3):

Ambry Genetics
Classification: Uncertain significance for Hereditary cancer-predisposing syndrome. Last evaluated: 2025-07-17. Review status: criteria provided, single submitter. Criteria: Ambry Variant Classification Scheme 2023. Collection method: clinical testing. Allele origin: germline.
Comment: The c.5395_5397delTCG variant (also known as p.S1799del) is located in coding exon 41 of the TSC2 gene. This variant results from an in-frame TCG deletion at nucleotide positions 5395 to 5397. This results in the in-frame deletion of a serine at codon 1799. This amino acid position is not well conserved in available vertebrate species. In addition, the in silico prediction for this alteration is inconclusive (Choi Y et al. PLoS ONE. 2012; 7(10):e46688). Since supporting evidence is limited at this time, the clinical significance of this alteration remains unclear.

Labcorp Genetics (formerly Invitae), Labcorp
Classification: Likely benign for Tuberous sclerosis 2. Last evaluated: 2023-07-08. Review status: criteria provided, single submitter. Criteria: Invitae Variant Classification Sherloc (09022015). Collection method: clinical testing. Allele origin: germline.

GeneDx
Classification: Uncertain significance. Last evaluated: 2022-08-03. Review status: criteria provided, single submitter. Criteria: GeneDx Variant Classification Process June 2021. Collection method: clinical testing. Allele origin: germline. Affected: yes.
Comment: In-frame deletion of one amino acids in a non-repeat region; Not observed at significant frequency in large population cohorts (gnomAD); Observed in a patient with lymphangioleiomyomatosis (Liu 2019); This variant is associated with the following publications: (PMID: 31856217)